The following is an entry in ClinVar:

NM_012330.4(KAT6B):c.1739C>T (p.Thr580Met)

Gene: KAT6B (lysine acetyltransferase 6B; plus strand). Cytogenetic location: 10q22.2.
Variant type: single nucleotide variant.
Coding change: c.1739C>T on transcript NM_012330.4 (MANE Select); coding-DNA position 1739, C replaced by T.
Protein change: p.Thr580Met; replaces threonine 580 with methionine.
Molecular consequence: missense variant. On other transcripts: intron variant (13).
Genome position (GRCh38, 1-based): chr10:74,976,076, C>T. VCF-style: chr10-74976076-C-T. GRCh37 (hg19) VCF-style: chr10-76735834-C-T.
Other names: c.1739C>T, p.Thr580Met (NM_001370136.1, NM_001370137.1); c.1117+622C>T (NM_001370139.1, NM_001370140.1, NM_001370141.1 and 3 more transcripts); c.1444+295C>T (NM_001370138.1, NM_001256468.2); c.846+6301C>T (NM_001370133.1); c.193-3148C>T (NM_001370134.1); c.929-1240C>T (NM_001370143.1, NM_001370144.1); c.193-12943C>T (NM_001370135.1); short protein forms T580M.
Identifiers: ClinVar variation 3597487 (VCV003597487.3).
Genomic context (GRCh38, chr10:74,976,076, plus strand): 5'-AGGGACACCCGAGTTATGCACCACCCAAACGTATGCGTCGTAAAACTGAATTATCTTCCA[C>T]GGCAAAATCTAAAGCCCACTTCTTTGGCAAAAGAGATATTAGAAGTCGGTTTATTTCTCA-3'
Protein context (NP_036462.2, residues 570-590): RMRRKTELSS[Thr580Met]AKSKAHFFGK

ClinVar aggregate classification (germline): Uncertain significance. Review status: criteria provided, multiple submitters, no conflicts (2 of 4 stars). 2 submissions from 2 submitters: Uncertain significance (2). Last evaluated 2024-09-23.

Conditions:
Genitopatellar syndrome (GTPTS). Also called: ABSENT PATELLAE, SCROTAL HYPOPLASIA, RENAL ANOMALIES, FACIAL DYSMORPHISM, AND MENTAL RETARDATION; Genitopatellar syndrome (GPS). Identifiers: Orphanet 85201, MedGen C1853566, MONDO:0011640, OMIM 606170.
Blepharophimosis - intellectual disability syndrome, SBBYS type (SBBYSS). Also called: Ohdo syndrome, SBBYS variant; SBBYSS syndrome; Say-Barber-Biesecker-Young-Simpson syndrome; Say-Barber-Biesecker-Young-Simpson variant of Ohdo Syndrome; Say-Barber-Biesecker Variant of Ohdo Syndrome; Say-Barber-Biesecker variant of Ohdo syndrome (SBBYSS). Identifiers: Orphanet 3047, MedGen C1863557, MONDO:0011365, OMIM 603736.

gnomAD v4.1: 21 of 1,614,034 alleles (0.0013%); highest among the groups gnomAD compares: African/African-American, 0.0027%; no homozygotes.

Submissions (2):

Labcorp Genetics (formerly Invitae), Labcorp
Classification: Uncertain significance for Genitopatellar syndrome. Last evaluated: 2024-09-23. Review status: criteria provided, single submitter. Criteria: Invitae Variant Classification Sherloc (09022015). Collection method: clinical testing. Allele origin: germline.
Comment: This sequence change replaces threonine, which is neutral and polar, with methionine, which is neutral and non-polar, at codon 580 of the KAT6B protein (p.Thr580Met). This variant is present in population databases (rs753701487, gnomAD 0.004%). This variant has not been reported in the literature in individuals affected with KAT6B-related conditions. An algorithm developed to predict the effect of missense changes on protein structure and function (PolyPhen-2) suggests that this variant is likely to be tolerated. In summary, the available evidence is currently insufficient to determine the role of this variant in disease. Therefore, it has been classified as a Variant of Uncertain Significance.

Fulgent Genetics
Classification: Uncertain significance for Blepharophimosis - intellectual disability syndrome, SBBYS type; Genitopatellar syndrome. Last evaluated: 2024-04-22. Review status: criteria provided, single submitter. Criteria: ACMG Guidelines, 2015. Collection method: clinical testing. Allele origin: germline.